The following is an entry in ClinVar:

ClinVar aggregate classification (germline): Likely benign (0 of 4 stars; one submission).

Conditions:
TP53I3-related disorder. Also called: TP53I3-related condition.

Allele frequency attached by ClinVar (database versions not stated): TOPMed 0.00014; ESP Exome Variant Server 0.00008; gnomAD 0.00016.
gnomAD v4.1: 255 of 1,614,088 alleles (0.016%); highest among the groups gnomAD compares: Non-Finnish European, 0.011%; no homozygotes.

Submission:

PreventionGenetics, part of Exact Sciences
Classification: Likely benign for TP53I3-related condition. Last evaluated: 2023-03-16. Review status: no assertion criteria provided. Collection method: clinical testing. Allele origin: germline.
Comment: This variant is classified as likely benign based on ACMG/AMP sequence variant interpretation guidelines (Richards et al. 2015 PMID: 25741868, with internal and published modifications).

NM_004881.5(TP53I3):c.250G>A (p.Asp84Asn)

Genes: FAM228B (family with sequence similarity 228 member B; plus strand), TP53I3 (tumor protein p53 inducible protein 3; minus strand). Cytogenetic location: 2p23.3.
Variant type: single nucleotide variant.
Coding change: c.250G>A on transcript NM_004881.5 (MANE Select); coding-DNA position 250, G replaced by A.
Protein change: p.Asp84Asn; replaces aspartic acid 84 with asparagine.
Molecular consequence: missense variant. On other transcripts: intron variant (1).
Genome position (GRCh38, 1-based): chr2:24,083,041, C>T on the plus strand (G>A on the coding strand, the complement: TP53I3 is on the minus strand). VCF-style: chr2-24083041-C-T. GRCh37 (hg19) VCF-style: chr2-24305911-C-T.
Other names: c.250G>A, p.Asp84Asn (NM_001206802.2, NM_147184.4); c.-210+2086C>T (NM_001291328.2); short protein forms D84N.
Identifiers: ClinVar variation 3036694 (VCV003036694.2), dbSNP rs201917137, ClinGen allele CA1549674.